The following is an entry in ClinVar:

ClinVar aggregate classification (germline): Uncertain significance (1 of 4 stars; one submission).

Conditions:
Hereditary cancer-predisposing syndrome. Also called: Neoplastic Syndromes, Hereditary; Tumor predisposition; Hereditary neoplastic syndrome; Hereditary Cancer Syndrome. Identifiers: Orphanet 140162, MedGen C0027672, MeSH D009386, MONDO:0015356.

Submission:

Ambry Genetics
Classification: Uncertain significance for Hereditary cancer-predisposing syndrome. Last evaluated: 2026-07-07. Review status: criteria provided, single submitter. Criteria: Ambry Variant Classification Scheme 2023. Collection method: clinical testing. Allele origin: germline.
Comment: The p.E811G variant (also known as c.2432A>G), located in coding exon 10 of the AXIN2 gene, results from an A to G substitution at nucleotide position 2432. The glutamic acid at codon 811 is replaced by glycine, an amino acid with similar properties. This amino acid position is conserved. In addition, this alteration is predicted to be deleterious by in silico analysis. Based on the available evidence, the clinical significance of this variant remains unclear.

NM_004655.4(AXIN2):c.2432A>G (p.Glu811Gly)

Gene: AXIN2 (axin 2; minus strand). Cytogenetic location: 17q24.1.
Variant type: single nucleotide variant.
Coding change: c.2432A>G on transcript NM_004655.4 (MANE Select); coding-DNA position 2432, A replaced by G.
Protein change: p.Glu811Gly; replaces glutamic acid 811 with glycine.
Molecular consequence: missense variant.
Genome position (GRCh38, 1-based): chr17:65,530,076, T>C on the plus strand (A>G on the coding strand, the complement: AXIN2 is on the minus strand). VCF-style: chr17-65530076-T-C. GRCh37 (hg19) VCF-style: chr17-63526194-T-C.
Other names: c.2237A>G, p.Glu746Gly (NM_001363813.1); short protein forms E746G, E811G.
Identifiers: ClinVar variation 5032643 (VCV005032643.1).